The following is an entry in ClinVar:

NM_018133.4(MSL2):c.191dup (p.His64fs)

Gene: MSL2 (MSL complex subunit 2; minus strand). Cytogenetic location: 3q22.3.
Variant type: Duplication.
Coding change: c.191dup on transcript NM_018133.4 (MANE Select); coding-DNA position 191, one base duplicated (A; older notation c.191dupA).
Protein change: p.His64fs; shifts the reading frame from histidine 64.
Molecular consequence: frameshift variant. On other transcripts: 5 prime UTR variant (1).
Genome position (GRCh38, 1-based): chr3:136,152,690, T duplicated on the plus strand (A on the coding strand, the reverse complement: MSL2 is on the minus strand). VCF-style (leftmost placement, unchanged base first): chr3-136152689-A-AT. GRCh37 (hg19) VCF-style: chr3-135871531-A-AT.
Other names: c.-32dup (NM_001145417.2); short protein forms H64fs.
Identifiers: ClinVar variation 3342366 (VCV003342366.1).

ClinVar aggregate classification (germline): Uncertain significance (1 of 4 stars; one submission).

Submission:

GeneDx
Classification: Uncertain significance. Last evaluated: 2022-01-14. Review status: criteria provided, single submitter. Criteria: GeneDx Variant Classification Process June 2021. Collection method: clinical testing. Allele origin: germline. Affected: yes.
Comment: Frameshift variant predicted to result in protein truncation as the last 514 amino acids are replaced with 7 different amino acids, although loss-of-function variants have not been reported downstream of this position in the protein; Has not been previously published as pathogenic or benign to our knowledge; Not observed at significant frequency in large population cohorts (gnomAD); Variants in candidate genes are classified as variants of uncertain significance in accordance with ACMG guidelines (Richards et al., 2015)